The following is an entry in ClinVar:

NM_004525.3(LRP2):c.2953A>G (p.Ser985Gly)

Gene: LRP2 (LDL receptor related protein 2; minus strand). Cytogenetic location: 2q31.1.
Variant type: single nucleotide variant.
Coding change: c.2953A>G on transcript NM_004525.3 (MANE Select); coding-DNA position 2953, A replaced by G.
Protein change: p.Ser985Gly; replaces serine 985 with glycine.
Molecular consequence: missense variant.
Genome position (GRCh38, 1-based): chr2:169,246,942, T>C on the plus strand (A>G on the coding strand, the complement: LRP2 is on the minus strand). VCF-style: chr2-169246942-T-C. GRCh37 (hg19) VCF-style: chr2-170103452-T-C.
Other names: short protein forms S985G.
Identifiers: ClinVar variation 1974096 (VCV001974096.2), dbSNP rs1450379529, ClinGen allele CA349153624.

ClinVar aggregate classification (germline): Uncertain significance (1 of 4 stars; one submission).

Allele frequency attached by ClinVar (database versions not stated): gnomAD exomes 0.00001.
gnomAD v4.1: 16 of 1,614,218 alleles (0.00099%); highest among the groups gnomAD compares: African/African-American, 0.0013%; no homozygotes.

Submission:

Labcorp Genetics (formerly Invitae), Labcorp
Classification: Uncertain significance. Last evaluated: 2022-02-06. Review status: criteria provided, single submitter. Criteria: Invitae Variant Classification Sherloc (09022015). Collection method: clinical testing. Allele origin: germline.
Comment: This sequence change replaces serine, which is neutral and polar, with glycine, which is neutral and non-polar, at codon 985 of the LRP2 protein (p.Ser985Gly). This variant is present in population databases (no rsID available, gnomAD 0.002%). This variant has not been reported in the literature in individuals affected with LRP2-related conditions. Algorithms developed to predict the effect of missense changes on protein structure and function are either unavailable or do not agree on the potential impact of this missense change (SIFT: "Deleterious"; PolyPhen-2: "Probably Damaging"; Align-GVGD: "Class C0"). In summary, the available evidence is currently insufficient to determine the role of this variant in disease. Therefore, it has been classified as a Variant of Uncertain Significance.